The following is an entry in ClinVar:

NM_012470.4(TNPO3):c.322-167A>G

Gene: TNPO3 (transportin 3; minus strand). Cytogenetic location: 7q32.1.
Variant type: single nucleotide variant.
Coding change: c.322-167A>G on transcript NM_012470.4 (MANE Select); 167 bases into the intron before coding-DNA position 322, A replaced by G.
Molecular consequence: intron variant.
Genome position (GRCh38, 1-based): chr7:129,017,223, T>C on the plus strand (A>G on the coding strand, the complement: TNPO3 is on the minus strand). VCF-style: chr7-129017223-T-C. GRCh37 (hg19) VCF-style: chr7-128657277-T-C.
Other names: c.322-167A>G (NM_001382221.1, NM_001382222.1, NM_001382219.1 and 6 more transcripts).
Identifiers: ClinVar variation 670753 (VCV000670753.1), dbSNP rs3857852, ClinGen allele CA166224348.

ClinVar aggregate classification (germline): Benign (1 of 4 stars; one submission).

Allele frequency attached by ClinVar (database versions not stated): 1000 Genomes Project 30x 0.59541; 1000 Genomes Project 0.60024; TOPMed 0.62304; gnomAD 0.63602 and 0.63636.
gnomAD v4.1: 96,769 of 151,984 alleles (64%); highest among the groups gnomAD compares: Middle Eastern, 71%; 31,125 homozygotes.

Submission:

GeneDx
Classification: Benign. Last evaluated: 2018-06-14. Review status: criteria provided, single submitter. Criteria: GeneDx Variant Classification (06012015). Collection method: clinical testing. Allele origin: germline. Affected: yes.
Comment: This variant is considered likely benign or benign based on one or more of the following criteria: it is a conservative change, it occurs at a poorly conserved position in the protein, it is predicted to be benign by multiple in silico algorithms, and/or has population frequency not consistent with disease.